The following is an entry in ClinVar:

NM_000548.5(TSC2):c.1120-20C>T

Gene: TSC2 (TSC complex subunit 2; plus strand). Cytogenetic location: 16p13.3.
Variant type: single nucleotide variant.
Coding change: c.1120-20C>T on transcript NM_000548.5 (MANE Select); 20 bases into the intron before coding-DNA position 1120, C replaced by T.
Molecular consequence: intron variant.
Genome position (GRCh38, 1-based): chr16:2,061,851, C>T. VCF-style: chr16-2061851-C-T. GRCh37 (hg19) VCF-style: chr16-2111852-C-T.
Other names: c.1120-20C>T (NM_001114382.3, NM_021055.3, NM_001370405.1 and 3 more transcripts); c.1009-20C>T (NM_001318827.2); c.520-20C>T (NM_001318831.2); c.973-20C>T (NM_001318829.2); c.1153-20C>T (NM_001318832.2).
Identifiers: ClinVar variation 1651955 (VCV001651955.9), dbSNP rs2086675709, ClinGen allele CA2202009526.

ClinVar aggregate classification (germline): Likely benign. Review status: criteria provided, multiple submitters, no conflicts (2 of 4 stars). 2 submissions from 2 submitters: Likely benign (2). Last evaluated 2025-12-19.

Conditions:
Tuberous sclerosis 2 (TSC2). Identifiers: Orphanet 805, MedGen C1860707, MONDO:0013199, OMIM 613254.

Allele frequency attached by ClinVar (database versions not stated): gnomAD exomes 0.00001.
gnomAD v4.1: 10 of 1,614,032 alleles (0.00062%); highest among the groups gnomAD compares: Non-Finnish European, 0.00085%; no homozygotes.

Submissions (2):

Labcorp Genetics (formerly Invitae), Labcorp
Classification: Likely benign for Tuberous sclerosis 2. Last evaluated: 2025-12-19. Review status: criteria provided, single submitter. Criteria: Invitae Variant Classification Sherloc (09022015). Collection method: clinical testing. Allele origin: germline.

Myriad Genetics, Inc.
Classification: Likely benign for Tuberous sclerosis 2. Last evaluated: 2025-05-13. Review status: criteria provided, single submitter. Criteria: Myriad Autosomal Dominant, Autosomal Recessive and X-Linked Classification Criteria (2023). Collection method: clinical testing. Allele origin: unknown.
Comment: This variant is considered likely benign. This variant is intronic and is not expected to impact mRNA splicing.